The following is an entry in ClinVar:

ClinVar aggregate classification (germline): Uncertain significance (1 of 4 stars; one submission).

Submission:

Labcorp Genetics (formerly Invitae), Labcorp
Classification: Uncertain significance. Last evaluated: 2025-12-01. Review status: criteria provided, single submitter. Criteria: Invitae Variant Classification Sherloc (09022015). Collection method: clinical testing. Allele origin: germline.
Comment: This variant, c.1330_1332dup, results in the insertion of 1 amino acid(s) of the ARID1A protein (p.Gly444dup), but otherwise preserves the integrity of the reading frame. This variant is present in population databases (rs752665864, gnomAD 0.03%). This variant has not been reported in the literature in individuals affected with ARID1A-related conditions. In summary, the available evidence is currently insufficient to determine the role of this variant in disease. Therefore, it has been classified as a Variant of Uncertain Significance.

NM_006015.6(ARID1A):c.1327GGC[3] (p.Gly444_Leu445insGly)

Gene: ARID1A (AT-rich interaction domain 1A; plus strand). Cytogenetic location: 1p36.11.
Variant type: Microsatellite.
Coding change: c.1327GGC[3] on transcript NM_006015.6 (MANE Select); three copies in a row of the 3-base unit GGC starting at c.1327; the reference has two copies in a row; one copy, 3 bases duplicated.
Protein change: p.Gly444_Leu445insGly.
Molecular consequence: inframe insertion.
Genome position (GRCh38, 1-based): chr1:26,729,843-26,729,845, GGC duplicated; duplicating any 3 consecutive bases within chr1:26,729,840-26,729,845 gives the same sequence; the position shown is the placement nearest the transcript's 3' end. VCF-style (leftmost placement, unchanged base first): chr1-26729839-G-GGGC. GRCh37 (hg19) VCF-style: chr1-27056330-G-GGGC.
Other names: c.1327GGC[3], p.Gly444_Leu445insGly (NM_139135.4).
Identifiers: ClinVar variation 3021977 (VCV003021977.3), dbSNP rs752665864, ClinGen allele CA706754.
Genomic context (GRCh38, chr1:26,729,839, plus strand): 5'-CGGGTCCCAGACCCCGCAGCGGTACCCGATGACCATGCAGGGCCGGGCGCAGAGTGCCAT[G>GGGC]GGCGGCCTCTCTTATACACAGCAGGTAGATGGTGATTGTGATTACCTTGACCCTTGTTGC-3'